The following is an entry in ClinVar:

NM_001375834.1(WIPF1):c.664T>G (p.Phe222Val)

Gene: WIPF1 (WAS/WASL interacting protein family member 1; minus strand). Cytogenetic location: 2q31.1.
Variant type: single nucleotide variant.
Coding change: c.664T>G on transcript NM_001375834.1 (MANE Select); coding-DNA position 664, T replaced by G.
Protein change: p.Phe222Val; replaces phenylalanine 222 with valine.
Molecular consequence: missense variant.
Genome position (GRCh38, 1-based): chr2:174,572,141, A>C on the plus strand (T>G on the coding strand, the complement: WIPF1 is on the minus strand). VCF-style: chr2-174572141-A-C. GRCh37 (hg19) VCF-style: chr2-175436869-A-C.
Other names: c.664T>G, p.Phe222Val (NM_001077269.1, NM_001375832.1, NM_001375833.1 and 5 more transcripts); c.286T>G, p.Phe96Val (NM_001375839.1); short protein forms F222V, F96V.
Identifiers: ClinVar variation 1490416 (VCV001490416.8), dbSNP rs2105807074, ClinGen allele CA349342269.

ClinVar aggregate classification (germline): Uncertain significance (1 of 4 stars; one submission).

Conditions:
Wiskott-Aldrich syndrome 2 (WAS2). Also called: WIPF1 DEFICIENCY. Identifiers: Orphanet 906, MedGen C3281001, MONDO:0013779, OMIM 614493.

Submission:

Labcorp Genetics (formerly Invitae), Labcorp
Classification: Uncertain significance for Wiskott-Aldrich syndrome 2. Last evaluated: 2021-05-31. Review status: criteria provided, single submitter. Criteria: Invitae Variant Classification Sherloc (09022015). Collection method: clinical testing. Allele origin: germline.
Comment: In summary, the available evidence is currently insufficient to determine the role of this variant in disease. Therefore, it has been classified as a Variant of Uncertain Significance. Algorithms developed to predict the effect of missense changes on protein structure and function are either unavailable or do not agree on the potential impact of this missense change (SIFT: "Not Available"; PolyPhen-2: "Benign"; Align-GVGD: "Not Available"). This variant has not been reported in the literature in individuals with WIPF1-related conditions. This variant is not present in population databases (ExAC no frequency). This sequence change replaces phenylalanine with valine at codon 222 of the WIPF1 protein (p.Phe222Val). The phenylalanine residue is moderately conserved and there is a small physicochemical difference between phenylalanine and valine.